The following is an entry in ClinVar:

NM_000170.3(GLDC):c.2768T>C (p.Met923Thr)

Gene: GLDC (glycine decarboxylase; minus strand). Cytogenetic location: 9p24.1.
Variant type: single nucleotide variant.
Coding change: c.2768T>C on transcript NM_000170.3 (MANE Select); coding-DNA position 2768, T replaced by C.
Protein change: p.Met923Thr; replaces methionine 923 with threonine.
Molecular consequence: missense variant.
Genome position (GRCh38, 1-based): chr9:6,536,134, A>G on the plus strand (T>C on the coding strand, the complement: GLDC is on the minus strand). VCF-style: chr9-6536134-A-G. GRCh37 (hg19) VCF-style: chr9-6536134-A-G.
Other names: c.2768T>C (NM_000170.2); short protein forms M923T.
Identifiers: ClinVar variation 1511174 (VCV001511174.10), dbSNP rs2129649642, ClinGen allele CA372882627.

ClinVar aggregate classification (germline): Uncertain significance. Review status: criteria provided, multiple submitters, no conflicts (2 of 4 stars). 3 submissions from 3 submitters: Uncertain significance (2). 1 of the submissions does not count toward it. Last evaluated 2025-10-20.

Conditions:
Glycine encephalopathy. Also called: Nonketotic hyperglycinemia; Non-ketotic hyperglycinemia. Identifiers: Orphanet 407, MedGen C0751748, MONDO:0011612, HP:0008288.
Glycine encephalopathy 1 (GCE1). Identifiers: MedGen CN376801, MONDO:0958179, OMIM 605899.

Allele frequency attached by ClinVar (database versions not stated): gnomAD exomes below 0.00001.
gnomAD v4.1: 4 of 1,614,136 alleles (0.00025%); highest among the groups gnomAD compares: Admixed American, 0.0017%; no homozygotes.

Submissions (3):

Labcorp Genetics (formerly Invitae), Labcorp
Classification: Uncertain significance for Glycine encephalopathy. Last evaluated: 2025-10-20. Review status: criteria provided, single submitter. Criteria: Invitae Variant Classification Sherloc (09022015). Collection method: clinical testing. Allele origin: germline.
Comment: This sequence change replaces methionine, which is neutral and non-polar, with threonine, which is neutral and polar, at codon 923 of the GLDC protein (p.Met923Thr). This variant is not present in population databases (gnomAD no frequency). This variant has not been reported in the literature in individuals affected with GLDC-related conditions. ClinVar contains an entry for this variant (Variation ID: 1511174). Invitae Evidence Modeling of protein sequence and biophysical properties (such as structural, functional, and spatial information, amino acid conservation, physicochemical variation, residue mobility, and thermodynamic stability) indicates that this missense variant is expected to disrupt GLDC protein function with a positive predictive value of 95%. In summary, the available evidence is currently insufficient to determine the role of this variant in disease. Therefore, it has been classified as a Variant of Uncertain Significance.

GeneDx
Classification: Uncertain significance. Last evaluated: 2024-10-02. Review status: criteria provided, single submitter. Criteria: GeneDx Variant Classification Process June 2021. Collection method: clinical testing. Allele origin: germline. Affected: yes.
Comment: Not observed at significant frequency in large population cohorts (gnomAD); In silico analysis supports that this missense variant has a deleterious effect on protein structure/function; Has not been previously published as pathogenic or benign to our knowledge

Stanford Starfish Project, Stanford University
Classification: Pathogenic for Glycine encephalopathy 1. Last evaluated: 2024-10-07. Review status: no assertion criteria provided. Collection method: clinical testing. Allele origin: de novo, not applicable. Inheritance: Autosomal recessive inheritance. Affected: yes. Observed: 1 compound heterozygote. Not counted in ClinVar's aggregate classification.
Comment: 1 mo with neonatal seizures and abnormal elevation of plasma glycine (1,273 mM; ref 232-740). Ratio of CSF glycine (109 mm; ref 6-28) to plasma glycine was also elevated at 0.08 (normal 0.01-0.02), consistent with a diagnosis of glycine encephalopathy. Hypsarrhythmia present on EEG. Multiple apneic events. Variant is de novo and in trans with a pathogenic partial gene deletion.

Literature cited by the submitters: PubMed 38146699 (cited by Stanford Starfish Project, Stanford University).